The following is an entry in ClinVar:

ClinVar aggregate classification (germline): Uncertain significance. Review status: criteria provided, multiple submitters, no conflicts (2 of 4 stars). 2 submissions from 2 submitters: Uncertain significance (2). Last evaluated 2025-06-18.

Conditions:
Inborn genetic diseases. Identifiers: MedGen C0950123, MeSH D030342.

gnomAD v4.1: 30 of 1,612,832 alleles (0.0019%); highest among the groups gnomAD compares: East Asian, 0.027%; no homozygotes.

Submissions (2):

Ambry Genetics
Classification: Uncertain significance for Inborn genetic diseases. Last evaluated: 2025-06-18. Review status: criteria provided, single submitter. Criteria: Ambry Variant Classification Scheme 2023. Collection method: clinical testing. Allele origin: germline.

Labcorp Genetics (formerly Invitae), Labcorp
Classification: Uncertain significance. Last evaluated: 2022-12-06. Review status: criteria provided, single submitter. Criteria: Invitae Variant Classification Sherloc (09022015). Collection method: clinical testing. Allele origin: germline.
Comment: In summary, the available evidence is currently insufficient to determine the role of this variant in disease. Therefore, it has been classified as a Variant of Uncertain Significance. Advanced modeling of protein sequence and biophysical properties (such as structural, functional, and spatial information, amino acid conservation, physicochemical variation, residue mobility, and thermodynamic stability) performed at Invitae indicates that this missense variant is not expected to disrupt DCHS1 protein function. ClinVar contains an entry for this variant (Variation ID: 1431724). This variant has not been reported in the literature in individuals affected with DCHS1-related conditions. This variant is present in population databases (rs762213705, gnomAD 0.02%). This sequence change replaces arginine, which is basic and polar, with glutamine, which is neutral and polar, at codon 917 of the DCHS1 protein (p.Arg917Gln).

NM_003737.4(DCHS1):c.2750G>A (p.Arg917Gln)

Gene: DCHS1 (dachsous cadherin-related 1; minus strand). Cytogenetic location: 11p15.4.
Variant type: single nucleotide variant.
Coding change: c.2750G>A on transcript NM_003737.4 (MANE Select); coding-DNA position 2750, G replaced by A.
Protein change: p.Arg917Gln; replaces arginine 917 with glutamine.
Molecular consequence: missense variant.
Genome position (GRCh38, 1-based): chr11:6,632,762, C>T on the plus strand (G>A on the coding strand, the complement: DCHS1 is on the minus strand). VCF-style: chr11-6632762-C-T. GRCh37 (hg19) VCF-style: chr11-6653993-C-T.
Other names: c.2750G>A (NM_003737.2); short protein forms R917Q.
Identifiers: ClinVar variation 1431724 (VCV001431724.9), dbSNP rs762213705, ClinGen allele CA5860663.